The following is an entry in ClinVar:

ClinVar aggregate classification (germline): Uncertain significance (1 of 4 stars; one submission).

Submission:

Labcorp Genetics (formerly Invitae), Labcorp
Classification: Uncertain significance. Last evaluated: 2024-12-18. Review status: criteria provided, single submitter. Criteria: Invitae Variant Classification Sherloc (09022015). Collection method: clinical testing. Allele origin: germline.
Comment: This sequence change replaces phenylalanine, which is neutral and non-polar, with leucine, which is neutral and non-polar, at codon 330 of the ABL1 protein (p.Phe330Leu). This variant is not present in population databases (gnomAD no frequency). This variant has not been reported in the literature in individuals affected with ABL1-related conditions. ClinVar contains an entry for this variant (Variation ID: 1481454). Invitae Evidence Modeling of protein sequence and biophysical properties (such as structural, functional, and spatial information, amino acid conservation, physicochemical variation, residue mobility, and thermodynamic stability) indicates that this missense variant is expected to disrupt ABL1 protein function with a positive predictive value of 80%. In summary, the available evidence is currently insufficient to determine the role of this variant in disease. Therefore, it has been classified as a Variant of Uncertain Significance.

NM_005157.6(ABL1):c.933C>A (p.Phe311Leu)

Gene: ABL1 (ABL proto-oncogene 1, non-receptor tyrosine kinase; plus strand). Cytogenetic location: 9q34.12.
Variant type: single nucleotide variant.
Coding change: c.933C>A on transcript NM_005157.6 (MANE Select); coding-DNA position 933, C replaced by A.
Protein change: p.Phe311Leu; replaces phenylalanine 311 with leucine.
Molecular consequence: missense variant.
Genome position (GRCh38, 1-based): chr9:130,872,885, C>A. VCF-style: chr9-130872885-C-A. GRCh37 (hg19) VCF-style: chr9-133748272-C-A.
Other names: c.990C>A, p.Phe330Leu (NM_007313.3); short protein forms F330L, F311L.
Identifiers: ClinVar variation 1481454 (VCV001481454.6), dbSNP rs2132996852, ClinGen allele CA375249393.
Genomic context (GRCh38, chr9:130,872,885, plus strand): 5'-GCCACGTGTTGAAGTCCTCGTTGTCTTGTTGGCAGGGGTCTGCACCCGGGAGCCCCCGTT[C>A]TATATCATCACTGAGTTCATGACCTACGGGAACCTCCTGGACTACCTGAGGGAGTGCAAC-3'
Protein context (NP_005148.2, residues 301-321): LLGVCTREPP[Phe311Leu]YIITEFMTYG